The following is an entry in ClinVar:

ClinVar aggregate classification (germline): Uncertain significance (1 of 4 stars; one submission).

Allele frequency attached by ClinVar (database versions not stated): ExAC 0.00001; gnomAD 0.00001 and 0.00003.
gnomAD v4.1: 50 of 1,612,176 alleles (0.0031%); highest among the groups gnomAD compares: African/African-American, 0.025%; 1 homozygote.

Submission:

Labcorp Genetics (formerly Invitae), Labcorp
Classification: Uncertain significance. Last evaluated: 2025-06-16. Review status: criteria provided, single submitter. Criteria: Invitae Variant Classification Sherloc (09022015). Collection method: clinical testing. Allele origin: germline.
Comment: This sequence change replaces valine, which is neutral and non-polar, with leucine, which is neutral and non-polar, at codon 251 of the IL23R protein (p.Val251Leu). This variant is present in population databases (rs368389094, gnomAD 0.007%). This variant has not been reported in the literature in individuals affected with IL23R-related conditions. ClinVar contains an entry for this variant (Variation ID: 1489615). An algorithm developed to predict the effect of missense changes on protein structure and function outputs the following: PolyPhen-2: "Possibly Damaging". The leucine amino acid residue is found in multiple mammalian species, which suggests that this missense change does not adversely affect protein function. In summary, the available evidence is currently insufficient to determine the role of this variant in disease. Therefore, it has been classified as a Variant of Uncertain Significance.

NM_144701.3(IL23R):c.751G>C (p.Val251Leu)

Gene: IL23R (interleukin 23 receptor; plus strand). Cytogenetic location: 1p31.3.
Variant type: single nucleotide variant.
Coding change: c.751G>C on transcript NM_144701.3 (MANE Select); coding-DNA position 751, G replaced by C.
Protein change: p.Val251Leu; replaces valine 251 with leucine.
Molecular consequence: missense variant.
Genome position (GRCh38, 1-based): chr1:67,207,008, G>C. VCF-style: chr1-67207008-G-C. GRCh37 (hg19) VCF-style: chr1-67672691-G-C.
Other names: short protein forms V251L.
Identifiers: ClinVar variation 1489615 (VCV001489615.8), dbSNP rs368389094, ClinGen allele CA899808.